The following is an entry in ClinVar:

NM_001243279.3(ACSF3):c.378C>T (p.Tyr126=)

Gene: ACSF3 (acyl-CoA synthetase family member 3; plus strand). Cytogenetic location: 16q24.3.
Variant type: single nucleotide variant.
Coding change: c.378C>T on transcript NM_001243279.3 (MANE Select); coding-DNA position 378, C replaced by T.
Protein change: p.Tyr126=; no amino-acid change (tyrosine 126 retained).
Molecular consequence: synonymous variant. On other transcripts: non-coding transcript variant (3), intron variant (1).
Genome position (GRCh38, 1-based): chr16:89,101,059, C>T. VCF-style: chr16-89101059-C-T. GRCh37 (hg19) VCF-style: chr16-89167467-C-T.
Other names: c.378C>T, p.Tyr126= (NM_001127214.4, NM_174917.5); c.-129-1545C>T (NM_001284316.2).
Identifiers: ClinVar variation 5040146 (VCV005040146.1).

ClinVar aggregate classification (germline): Likely benign (1 of 4 stars; one submission).

gnomAD v4.1: 5 of 1,614,060 alleles (0.00031%); highest among the groups gnomAD compares: African/African-American, 0.0013%; no homozygotes.

Submission:

CeGaT Center for Human Genetics Tuebingen
Classification: Likely benign. Last evaluated: 2026-07-01. Review status: criteria provided, single submitter. Criteria: CeGaT Center For Human Genetics Tuebingen Variant Classification Criteria Version 2. Collection method: clinical testing. Allele origin: germline. Affected: yes. Observed: 1 variant allele.
Comment: ACSF3: BP4, BP7